The following is an entry in ClinVar:

NM_001077350.3(NPRL3):c.1437C>G (p.Asn479Lys)

Genes: HBA-LCR (alpha-globin locus control region; plus strand), NPRL3 (NPR3 like, GATOR1 complex subunit; minus strand). Cytogenetic location: 16p13.3.
Variant type: single nucleotide variant.
Coding change: c.1437C>G on transcript NM_001077350.3 (MANE Select); coding-DNA position 1437, C replaced by G.
Protein change: p.Asn479Lys; replaces asparagine 479 with lysine.
Molecular consequence: missense variant.
Genome position (GRCh38, 1-based): chr16:88,805, G>C on the plus strand (C>G on the coding strand, the complement: NPRL3 is on the minus strand). VCF-style: chr16-88805-G-C. GRCh37 (hg19) VCF-style: chr16-138803-G-C.
Other names: c.900C>G, p.Asn300Lys (NM_001039476.3); c.1203C>G, p.Asn401Lys (NM_001243247.2); c.1362C>G, p.Asn454Lys (NM_001243248.2, NM_001243249.2); short protein forms N300K, N454K, N401K, N479K.
Identifiers: ClinVar variation 1501103 (VCV001501103.6), dbSNP rs2141899969, ClinGen allele CA394048953.

ClinVar aggregate classification (germline): Uncertain significance (1 of 4 stars; one submission).

Conditions:
Epilepsy, familial focal, with variable foci 3 (FFEVF3). Identifiers: MedGen C4310708, MONDO:0014925, OMIM 617118.

Submission:

Labcorp Genetics (formerly Invitae), Labcorp
Classification: Uncertain significance for Epilepsy, familial focal, with variable foci 3. Last evaluated: 2021-06-08. Review status: criteria provided, single submitter. Criteria: Invitae Variant Classification Sherloc (09022015). Collection method: clinical testing. Allele origin: germline.
Comment: This variant has not been reported in the literature in individuals with NPRL3-related conditions. This variant is not present in population databases (ExAC no frequency). This sequence change replaces asparagine with lysine at codon 479 of the NPRL3 protein (p.Asn479Lys). The asparagine residue is moderately conserved and there is a moderate physicochemical difference between asparagine and lysine. Experimental studies and prediction algorithms are not available or were not evaluated, and the functional significance of this variant is currently unknown. In summary, the available evidence is currently insufficient to determine the role of this variant in disease. Therefore, it has been classified as a Variant of Uncertain Significance.